The following is an entry in ClinVar:

ClinVar aggregate classification (germline): Uncertain significance. Review status: criteria provided, multiple submitters, no conflicts (2 of 4 stars). 2 submissions from 2 submitters: Uncertain significance (2). Last evaluated 2026-02-26.

Conditions:
Cardiovascular phenotype. Identifiers: MedGen CN230736.
RASopathy. Also called: Noonan spectrum disorder; rasopathies. Identifiers: Orphanet 536391, MedGen C5555857, MONDO:0021060.

gnomAD v4.1: 2 of 1,614,112 alleles (0.00012%); highest among the groups gnomAD compares: South Asian, 0.0011%; no homozygotes.

Submissions (2):

Ambry Genetics
Classification: Uncertain significance for Cardiovascular phenotype. Last evaluated: 2026-02-26. Review status: criteria provided, single submitter. Criteria: Ambry Variant Classification Scheme 2023. Collection method: clinical testing. Allele origin: germline.
Comment: The c.451G>C (p.V151L) alteration is located in exon 4 (coding exon 4) of the PTPN11 gene. This alteration results from a G to C substitution at nucleotide position 451, causing the valine (V) at amino acid position 151 to be replaced by a leucine (L). Based on data from gnomAD, the C allele has an overall frequency of <0.001% (1/251344) total alleles studied. The highest observed frequency was 0.003% (1/30614) of South Asian alleles. Based on insufficient or conflicting evidence, the clinical significance of this alteration remains unclear.

Labcorp Genetics (formerly Invitae), Labcorp
Classification: Uncertain significance for RASopathy. Last evaluated: 2024-03-26. Review status: criteria provided, single submitter. Criteria: Invitae Variant Classification Sherloc (09022015). Collection method: clinical testing. Allele origin: germline.
Comment: This sequence change replaces valine, which is neutral and non-polar, with leucine, which is neutral and non-polar, at codon 151 of the PTPN11 protein (p.Val151Leu). This variant is present in population databases (rs768927453, gnomAD 0.003%). This variant has not been reported in the literature in individuals affected with PTPN11-related conditions. Advanced modeling of protein sequence and biophysical properties (such as structural, functional, and spatial information, amino acid conservation, physicochemical variation, residue mobility, and thermodynamic stability) performed at Invitae indicates that this missense variant is expected to disrupt PTPN11 protein function with a positive predictive value of 95%. In summary, the available evidence is currently insufficient to determine the role of this variant in disease. Therefore, it has been classified as a Variant of Uncertain Significance.

NM_002834.5(PTPN11):c.451G>C (p.Val151Leu)

Gene: PTPN11 (protein tyrosine phosphatase non-receptor type 11; plus strand). Cytogenetic location: 12q24.13.
Variant type: single nucleotide variant.
Coding change: c.451G>C on transcript NM_002834.5 (MANE Select); coding-DNA position 451, G replaced by C.
Protein change: p.Val151Leu; replaces valine 151 with leucine.
Molecular consequence: missense variant.
Genome position (GRCh38, 1-based): chr12:112,453,313, G>C. VCF-style: chr12-112453313-G-C. GRCh37 (hg19) VCF-style: chr12-112891117-G-C.
Other names: c.451G>C, p.Val151Leu (NM_001330437.2, NM_080601.3); c.448G>C, p.Val150Leu (NM_001374625.1); short protein forms V150L, V151L.
Identifiers: ClinVar variation 3637660 (VCV003637660.4).